The following is an entry in ClinVar:

NM_014714.4(IFT140):c.2242C>T (p.His748Tyr)

Gene: IFT140 (intraflagellar transport 140; minus strand). Cytogenetic location: 16p13.3.
Variant type: single nucleotide variant.
Coding change: c.2242C>T on transcript NM_014714.4 (MANE Select); coding-DNA position 2242, C replaced by T.
Protein change: p.His748Tyr; replaces histidine 748 with tyrosine.
Molecular consequence: missense variant.
Genome position (GRCh38, 1-based): chr16:1,558,092, G>A on the plus strand (C>T on the coding strand, the complement: IFT140 is on the minus strand). VCF-style: chr16-1558092-G-A. GRCh37 (hg19) VCF-style: chr16-1608093-G-A.
Other names: c.2242C>T (NM_014714.3); short protein forms H748Y.
Identifiers: ClinVar variation 1478864 (VCV001478864.8), dbSNP rs760427350, ClinGen allele CA276653348.

ClinVar aggregate classification (germline): Uncertain significance. Review status: criteria provided, multiple submitters, no conflicts (2 of 4 stars). 5 submissions from 5 submitters: Uncertain significance (5). Last evaluated 2025-08-26.

Conditions:
IFT140-related disorder. Also called: IFT140-related condition.
Inborn genetic diseases. Identifiers: MedGen C0950123, MeSH D030342.
Saldino-Mainzer syndrome (SRTD9). Also called: SHORT-RIB THORACIC DYSPLASIA 9 WITHOUT POLYDACTYLY; short-rib thoracic dysplasia 9 with or without polydactyly; CONORENAL SYNDROME; Renal dysplasia, retinal pigmentary dystrophy, cerebellar ataxia and skeletal dysplasia. Identifiers: Orphanet 140969, MedGen C1849437, MONDO:0009964, OMIM 266920.
Retinitis pigmentosa 80 (RP80). Identifiers: MedGen C4540439, MONDO:0054708, OMIM 617781.

Allele frequency attached by ClinVar (database versions not stated): gnomAD 0.00001; gnomAD exomes 0.00002 and 0.00003; TOPMed 0.00004.
gnomAD v4.1: 48 of 1,614,052 alleles (0.003%); highest among the groups gnomAD compares: Middle Eastern, 0.016%; no homozygotes.

Submissions (5):

PreventionGenetics, part of Exact Sciences
Classification: Uncertain significance for IFT140-related condition. Last evaluated: 2025-08-26. Review status: criteria provided, single submitter. Criteria: ACMG Guidelines, 2015. Collection method: clinical testing. Allele origin: germline.
Comment: The IFT140 c.2242C>T variant is predicted to result in the amino acid substitution p.His748Tyr. To our knowledge, this variant has not been reported in the literature. This variant is present in 0.0062% of alleles in individuals of African descent in gnomAD. At this time, the clinical significance of this variant is uncertain due to the absence of conclusive functional and genetic evidence.

Fulgent Genetics
Classification: Uncertain significance for Saldino-Mainzer syndrome; Retinitis pigmentosa 80. Last evaluated: 2024-06-06. Review status: criteria provided, single submitter. Criteria: ACMG Guidelines, 2015. Collection method: clinical testing. Allele origin: germline.

Ambry Genetics
Classification: Uncertain significance for Inborn genetic diseases. Last evaluated: 2023-07-17. Review status: criteria provided, single submitter. Criteria: Ambry Variant Classification Scheme 2023. Collection method: clinical testing. Allele origin: germline.

Labcorp Genetics (formerly Invitae), Labcorp
Classification: Uncertain significance for Saldino-Mainzer syndrome. Last evaluated: 2022-09-19. Review status: criteria provided, single submitter. Criteria: Invitae Variant Classification Sherloc (09022015). Collection method: clinical testing. Allele origin: germline.
Comment: This sequence change replaces histidine, which is basic and polar, with tyrosine, which is neutral and polar, at codon 748 of the IFT140 protein (p.His748Tyr). This variant is present in population databases (rs760427350, gnomAD 0.007%). This variant has not been reported in the literature in individuals affected with IFT140-related conditions. ClinVar contains an entry for this variant (Variation ID: 1478864). Advanced modeling of protein sequence and biophysical properties (such as structural, functional, and spatial information, amino acid conservation, physicochemical variation, residue mobility, and thermodynamic stability) performed at Invitae indicates that this missense variant is not expected to disrupt IFT140 protein function. In summary, the available evidence is currently insufficient to determine the role of this variant in disease. Therefore, it has been classified as a Variant of Uncertain Significance.

Blueprint Genetics
Classification: Uncertain significance. Last evaluated: 2022-05-03. Review status: criteria provided, single submitter. Criteria: ACMG Guidelines, 2015. Collection method: clinical testing. Allele origin: germline.